The following is an entry in ClinVar:

NM_021999.5(ITM2B):c.623G>A (p.Arg208His)

Gene: ITM2B (integral membrane protein 2B; plus strand). Cytogenetic location: 13q14.2.
Variant type: single nucleotide variant.
Coding change: c.623G>A on transcript NM_021999.5 (MANE Select); coding-DNA position 623, G replaced by A.
Protein change: p.Arg208His; replaces arginine 208 with histidine.
Molecular consequence: missense variant.
Genome position (GRCh38, 1-based): chr13:48,258,855, G>A. VCF-style: chr13-48258855-G-A. GRCh37 (hg19) VCF-style: chr13-48832991-G-A.
Other names: c.623G>A (NM_021999.4); short protein forms R208H.
Identifiers: ClinVar variation 2182092 (VCV002182092.6), dbSNP rs201399334, ClinGen allele CA6978828.

ClinVar aggregate classification (germline): Conflicting classifications of pathogenicity. Review status: criteria provided, conflicting classifications (1 of 4 stars). 3 submissions from 3 submitters: Uncertain significance (2); Likely benign (1). Last evaluated 2025-08-27.

Conditions:
Inborn genetic diseases. Identifiers: MedGen C0950123, MeSH D030342.

Allele frequency attached by ClinVar (database versions not stated): ExAC 0.00003.
gnomAD v4.1: 60 of 1,612,922 alleles (0.0037%); highest among the groups gnomAD compares: Admixed American, 0.012%; no homozygotes.

Submissions (3):

Ambry Genetics
Classification: Uncertain significance for Inborn genetic diseases. Last evaluated: 2025-08-27. Review status: criteria provided, single submitter. Criteria: Ambry Variant Classification Scheme 2023. Collection method: clinical testing. Allele origin: germline.

Labcorp Genetics (formerly Invitae), Labcorp
Classification: Likely benign. Last evaluated: 2024-07-23. Review status: criteria provided, single submitter. Criteria: Invitae Variant Classification Sherloc (09022015). Collection method: clinical testing. Allele origin: germline.

GeneDx
Classification: Uncertain significance. Last evaluated: 2023-06-08. Review status: criteria provided, single submitter. Criteria: GeneDx Variant Classification Process June 2021. Collection method: clinical testing. Allele origin: germline. Affected: yes.
Comment: In silico analysis supports that this missense variant does not alter protein structure/function; Has not been previously published as pathogenic or benign to our knowledge